The following is an entry in ClinVar:

ClinVar aggregate classification (germline): Likely pathogenic (1 of 4 stars; one submission).

Submission:

Laboratorio de Genetica e Diagnostico Molecular, Hospital Israelita Albert Einstein
Classification: Likely pathogenic. Last evaluated: 2020-03-30. Review status: criteria provided, single submitter. Criteria: ACMG Guidelines, 2015. Collection method: clinical testing. Allele origin: germline. Affected: yes.
Comment: ACMG classification criteria: PVS1, PM2

NM_001852.4(COL9A2):c.811_821del (p.Gly271fs)

Gene: COL9A2 (collagen type IX alpha 2 chain; minus strand). Cytogenetic location: 1p34.2.
Variant type: Deletion.
Coding change: c.811_821del on transcript NM_001852.4 (MANE Select); coding-DNA positions 811 to 821, 11 bases deleted (GGACCGCCAGG).
Protein change: p.Gly271fs; shifts the reading frame from glycine 271.
Molecular consequence: frameshift variant.
Genome position (GRCh38, 1-based): chr1:40,309,963-40,309,973, CCTGGCGGTCC deleted on the plus strand (GGACCGCCAGG on the coding strand, the reverse complement: COL9A2 is on the minus strand); deleting any 11 consecutive bases within chr1:40,309,963-40,309,976 gives the same sequence; the c. name uses the placement nearest the transcript's 3' end. VCF-style (leftmost placement, unchanged base first): chr1-40309962-GCCTGGCGGTCC-G. GRCh37 (hg19) VCF-style: chr1-40775634-GCCTGGCGGTCC-G.
Other names: short protein forms G271fs.
Identifiers: ClinVar variation 1690844 (VCV001690844.2), dbSNP rs2124082390, ClinGen allele CA2573132334.